The following is an entry in ClinVar:

NM_001042492.3(NF1):c.3311T>G (p.Leu1104Arg)

Gene: NF1 (neurofibromin 1; plus strand). Cytogenetic location: 17q11.2.
Variant type: single nucleotide variant.
Coding change: c.3311T>G on transcript NM_001042492.3 (MANE Select); coding-DNA position 3311, T replaced by G.
Protein change: p.Leu1104Arg; replaces leucine 1104 with arginine.
Molecular consequence: missense variant.
Genome position (GRCh38, 1-based): chr17:31,232,186, T>G. VCF-style: chr17-31232186-T-G. GRCh37 (hg19) VCF-style: chr17-29559204-T-G.
Other names: c.3311T>G, p.Leu1104Arg (NM_000267.4); short protein forms L1104R.
Identifiers: ClinVar variation 2507268 (VCV002507268.3), dbSNP rs2151433910, ClinGen allele CA398988938.

ClinVar aggregate classification (germline): Pathogenic/Likely pathogenic. Review status: criteria provided, multiple submitters, no conflicts (2 of 4 stars). 2 submissions from 2 submitters: Pathogenic (1); Likely pathogenic (1). Last evaluated 2024-05-11.

Conditions:
Neurofibromatosis, type 1 (NF1). Also called: Peripheral type neurofibromatosis; Neurofibromatosis, type I; VON RECKLINGHAUSEN DISEASE; NEUROFIBROMATOSIS, TYPE I, SOMATIC. Identifiers: Orphanet 636, MedGen C0027831, MONDO:0018975, OMIM 162200. Disease mechanism: loss of function.

Submissions (2):

Labcorp Genetics (formerly Invitae), Labcorp
Classification: Pathogenic for Neurofibromatosis, type 1. Last evaluated: 2024-05-11. Review status: criteria provided, single submitter. Criteria: Invitae Variant Classification Sherloc (09022015). Collection method: clinical testing. Allele origin: germline.
Comment: This sequence change replaces leucine, which is neutral and non-polar, with arginine, which is basic and polar, at codon 1104 of the NF1 protein (p.Leu1104Arg). This variant is not present in population databases (gnomAD no frequency). This missense change has been observed in individual(s) with neurofibromatosis type 1 (PMID: 25074460, 31766501). ClinVar contains an entry for this variant (Variation ID: 2507268). Advanced modeling of protein sequence and biophysical properties (such as structural, functional, and spatial information, amino acid conservation, physicochemical variation, residue mobility, and thermodynamic stability) performed at Invitae indicates that this missense variant is expected to disrupt NF1 protein function with a positive predictive value of 95%. Algorithms developed to predict the effect of sequence changes on RNA splicing suggest that this variant may disrupt the consensus splice site. For these reasons, this variant has been classified as Pathogenic.

GeneDx
Classification: Likely pathogenic. Last evaluated: 2023-01-10. Review status: criteria provided, single submitter. Criteria: GeneDx Variant Classification Process June 2021. Collection method: clinical testing. Allele origin: germline. Affected: yes.
Comment: Not observed at significant frequency in large population cohorts (gnomAD); In silico analysis supports that this missense variant has a deleterious effect on protein structure/function; In silico analysis supports a deleterious effect on splicing; This variant is associated with the following publications: (PMID: 25074460, 25486365, 2121369, 31766501)

Literature cited by the submitters: PubMed 25074460 (cited by Labcorp Genetics (formerly Invitae), Labcorp); PubMed 31766501 (cited by Labcorp Genetics (formerly Invitae), Labcorp).